The following is an entry in ClinVar:

ClinVar aggregate classification (germline): Uncertain significance (1 of 4 stars; one submission).

Conditions:
Autosomal recessive limb-girdle muscular dystrophy type R18 (LGMDR18). Also called: Limb-girdle muscular dystrophy, type 2S; MUSCULAR DYSTROPHY, LIMB-GIRDLE, AUTOSOMAL RECESSIVE 18; Autosomal recessive limb-girdle muscular dystrophy type 2S. Identifiers: Orphanet 369840, MedGen C4517996, MONDO:0014144, OMIM 615356.

gnomAD v4.1: 1 of 1,613,460 alleles (0.000062%); highest among the groups gnomAD compares: Non-Finnish European, 0.000085%; no homozygotes.

Submission:

Labcorp Genetics (formerly Invitae), Labcorp
Classification: Uncertain significance for Autosomal recessive limb-girdle muscular dystrophy type R18. Last evaluated: 2022-03-19. Review status: criteria provided, single submitter. Criteria: Invitae Variant Classification Sherloc (09022015). Collection method: clinical testing. Allele origin: germline.
Comment: This sequence change replaces alanine, which is neutral and non-polar, with serine, which is neutral and polar, at codon 791 of the TRAPPC11 protein (p.Ala791Ser). This variant is not present in population databases (gnomAD no frequency). This variant has not been reported in the literature in individuals affected with TRAPPC11-related conditions. ClinVar contains an entry for this variant (Variation ID: 858813). Algorithms developed to predict the effect of missense changes on protein structure and function (SIFT, PolyPhen-2, Align-GVGD) all suggest that this variant is likely to be tolerated. In summary, the available evidence is currently insufficient to determine the role of this variant in disease. Therefore, it has been classified as a Variant of Uncertain Significance.

NM_021942.6(TRAPPC11):c.2371G>T (p.Ala791Ser)

Genes: TRAPPC11 (trafficking protein particle complex subunit 11; plus strand), LOC126807238 (BRD4-independent group 4 enhancer GRCh37_chr4:184614366-184615565; plus strand). Cytogenetic location: 4q35.1.
Variant type: single nucleotide variant.
Coding change: c.2371G>T on transcript NM_021942.6 (MANE Select); coding-DNA position 2371, G replaced by T.
Protein change: p.Ala791Ser; replaces alanine 791 with serine.
Molecular consequence: missense variant.
Genome position (GRCh38, 1-based): chr4:183,693,722, G>T. VCF-style: chr4-183693722-G-T. GRCh37 (hg19) VCF-style: chr4-184614875-G-T.
Other names: c.2371G>T, p.Ala791Ser (NM_199053.3); short protein forms A791S.
Identifiers: ClinVar variation 858813 (VCV000858813.9), dbSNP rs1302946870, ClinGen allele CA358871629.